The following is an entry in ClinVar:

NM_004006.3(DMD):c.859G>C (p.Glu287Gln)

Gene: DMD (dystrophin; minus strand). Cytogenetic location: Xp21.1.
Variant type: single nucleotide variant.
Coding change: c.859G>C on transcript NM_004006.3 (MANE Select); coding-DNA position 859, G replaced by C.
Protein change: p.Glu287Gln; replaces glutamic acid 287 with glutamine.
Molecular consequence: missense variant.
Genome position (GRCh38, 1-based): chrX:32,697,971, C>G on the plus strand (G>C on the coding strand, the complement: DMD is on the minus strand). VCF-style: chrX-32697971-C-G. GRCh37 (hg19) VCF-style: chrX-32716088-C-G.
Other names: c.835G>C, p.Glu279Gln (NM_000109.4); c.847G>C, p.Glu283Gln (NM_004009.3); c.490G>C, p.Glu164Gln (NM_004010.3); short protein forms E279Q, E283Q, E287Q, E164Q.
Identifiers: ClinVar variation 2880202 (VCV002880202.3), dbSNP rs2521104156, ClinGen allele CA412668694.

ClinVar aggregate classification (germline): Uncertain significance. Review status: criteria provided, single submitter (1 of 4 stars). 2 submissions from 2 submitters: Uncertain significance (1). 1 of the submissions does not count toward it. Last evaluated 2023-04-10.

Conditions:
Duchenne muscular dystrophy (DMD). Also called: MUSCULAR DYSTROPHY, PSEUDOHYPERTROPHIC PROGRESSIVE, DUCHENNE TYPE; Duchenne Muscular Dystrophy (DMD). Identifiers: Orphanet 98896, MedGen C0013264, MONDO:0010679, OMIM 310200.
Becker muscular dystrophy, Cardiomyopathy, Duchenne muscular dystrophy, Dystrophin deficiency.

Allele frequency attached by ClinVar (database versions not stated): gnomAD exomes below 0.00001.
gnomAD v4.1: 2 of 1,200,826 alleles (0.00017%); highest among the groups gnomAD compares: Non-Finnish European, 0.00022%; no homozygotes.

Submissions (2):

Labcorp Genetics (formerly Invitae), Labcorp
Classification: Uncertain significance for Duchenne muscular dystrophy. Last evaluated: 2023-04-10. Review status: criteria provided, single submitter. Criteria: Invitae Variant Classification Sherloc (09022015). Collection method: clinical testing. Allele origin: germline.
Comment: In summary, the available evidence is currently insufficient to determine the role of this variant in disease. Therefore, it has been classified as a Variant of Uncertain Significance. Advanced modeling of protein sequence and biophysical properties (such as structural, functional, and spatial information, amino acid conservation, physicochemical variation, residue mobility, and thermodynamic stability) performed at Invitae indicates that this missense variant is not expected to disrupt DMD protein function. This variant has not been reported in the literature in individuals affected with DMD-related conditions. This variant is not present in population databases (gnomAD no frequency). This sequence change replaces glutamic acid, which is acidic and polar, with glutamine, which is neutral and polar, at codon 287 of the DMD protein (p.Glu287Gln).

Natera, Inc.
Classification: Uncertain significance for Becker muscular dystrophy, Cardiomyopathy, Duchenne muscular dystrophy, Dystrophin deficiency. Last evaluated: 2025-04-30. Review status: no assertion criteria provided. Collection method: clinical testing. Allele origin: germline. Not counted in ClinVar's aggregate classification.